The following is an entry in ClinVar:

NM_032242.4(PLXNA1):c.5364G>T (p.Glu1788Asp)

Gene: PLXNA1 (plexin A1; plus strand). Cytogenetic location: 3q21.3.
Variant type: single nucleotide variant.
Coding change: c.5364G>T on transcript NM_032242.4 (MANE Select); coding-DNA position 5364, G replaced by T.
Protein change: p.Glu1788Asp; replaces glutamic acid 1788 with aspartic acid.
Molecular consequence: missense variant.
Genome position (GRCh38, 1-based): chr3:127,032,519, G>T. VCF-style: chr3-127032519-G-T. GRCh37 (hg19) VCF-style: chr3-126751362-G-T.
Other names: short protein forms E1788D.
Identifiers: ClinVar variation 2018741 (VCV002018741.4), dbSNP rs2472567195, ClinGen allele CA354404020.

ClinVar aggregate classification (germline): Uncertain significance (1 of 4 stars; one submission).

Submission:

Labcorp Genetics (formerly Invitae), Labcorp
Classification: Uncertain significance. Last evaluated: 2024-10-29. Review status: criteria provided, single submitter. Criteria: Invitae Variant Classification Sherloc (09022015). Collection method: clinical testing. Allele origin: germline.
Comment: This sequence change replaces glutamic acid, which is acidic and polar, with aspartic acid, which is acidic and polar, at codon 1788 of the PLXNA1 protein (p.Glu1788Asp). This variant is not present in population databases (gnomAD no frequency). This variant has not been reported in the literature in individuals affected with PLXNA1-related conditions. ClinVar contains an entry for this variant (Variation ID: 2018741). Invitae Evidence Modeling of protein sequence and biophysical properties (such as structural, functional, and spatial information, amino acid conservation, physicochemical variation, residue mobility, and thermodynamic stability) indicates that this missense variant is not expected to disrupt PLXNA1 protein function with a negative predictive value of 80%. In summary, the available evidence is currently insufficient to determine the role of this variant in disease. Therefore, it has been classified as a Variant of Uncertain Significance.